The following is an entry in ClinVar:

NM_001367561.1(DOCK7):c.3781+5C>G

Gene: DOCK7 (dedicator of cytokinesis 7; minus strand). Cytogenetic location: 1p31.3.
Variant type: single nucleotide variant.
Coding change: c.3781+5C>G on transcript NM_001367561.1 (MANE Select); 5 bases into the intron after coding-DNA position 3781, C replaced by G.
Molecular consequence: intron variant.
Genome position (GRCh38, 1-based): chr1:62,529,272, G>C on the plus strand (C>G on the coding strand, the complement: DOCK7 is on the minus strand). VCF-style: chr1-62529272-G-C. GRCh37 (hg19) VCF-style: chr1-62994943-G-C.
Other names: c.3688+5C>G (NM_001272001.2, NM_001272000.2, NM_033407.4); c.3781+5C>G (NM_001271999.2, NM_001330614.2).
Identifiers: ClinVar variation 475142 (VCV000475142.9), dbSNP rs199682893, ClinGen allele CA885900.

ClinVar aggregate classification (germline): Uncertain significance. Review status: criteria provided, single submitter (1 of 4 stars). 2 submissions from 2 submitters: Uncertain significance (1). 1 of the submissions does not count toward it. Last evaluated 2024-12-09.

Conditions:
DOCK7-related disorder. Also called: DOCK7-related condition.
Developmental and epileptic encephalopathy, 23 (DEE23). Also called: Epileptic encephalopathy, early infantile, 23. Identifiers: Orphanet 411986, MedGen C4014492, MONDO:0014371, OMIM 615859.

Allele frequency attached by ClinVar (database versions not stated): ESP Exome Variant Server 0.00008; 1000 Genomes Project 0.00040; TOPMed 0.00017; gnomAD 0.00019; ExAC 0.00020; 1000 Genomes Project 30x 0.00031.
gnomAD v4.1: 463 of 1,589,338 alleles (0.029%); highest among the groups gnomAD compares: Admixed American, 0.046%; no homozygotes.

Submissions (2):

Labcorp Genetics (formerly Invitae), Labcorp
Classification: Uncertain significance for Developmental and epileptic encephalopathy, 23. Last evaluated: 2024-12-09. Review status: criteria provided, single submitter. Criteria: Invitae Variant Classification Sherloc (09022015). Collection method: clinical testing. Allele origin: germline.
Comment: This sequence change falls in intron 30 of the DOCK7 gene. It does not directly change the encoded amino acid sequence of the DOCK7 protein. It affects a nucleotide within the consensus splice site. This variant is present in population databases (rs199682893, gnomAD 0.06%). This variant has not been reported in the literature in individuals affected with DOCK7-related conditions. ClinVar contains an entry for this variant (Variation ID: 475142). Variants that disrupt the consensus splice site are a relatively common cause of aberrant splicing (PMID: 17576681, 9536098). Algorithms developed to predict the effect of sequence changes on RNA splicing suggest that this variant is not likely to affect RNA splicing. In summary, the available evidence is currently insufficient to determine the role of this variant in disease. Therefore, it has been classified as a Variant of Uncertain Significance.

PreventionGenetics, part of Exact Sciences
Classification: Likely benign for DOCK7-related condition. Last evaluated: 2020-08-25. Review status: no assertion criteria provided. Collection method: clinical testing. Allele origin: germline. Not counted in ClinVar's aggregate classification.
Comment: This variant is classified as likely benign based on ACMG/AMP sequence variant interpretation guidelines (Richards et al. 2015 PMID: 25741868, with internal and published modifications).

Literature cited by the submitters: PubMed 17576681 (cited by Labcorp Genetics (formerly Invitae), Labcorp); PubMed 9536098 (cited by Labcorp Genetics (formerly Invitae), Labcorp).